The following is an entry in ClinVar:

ClinVar aggregate classification (germline): Pathogenic (1 of 4 stars; one submission).

Allele frequency attached by ClinVar (database versions not stated): gnomAD exomes below 0.00001.
gnomAD v4.1: 1 of 1,569,758 alleles (0.000064%); highest among the groups gnomAD compares: Non-Finnish European, 0.000086%; no homozygotes.

Submission:

Labcorp Genetics (formerly Invitae), Labcorp
Classification: Pathogenic. Last evaluated: 2021-09-27. Review status: criteria provided, single submitter. Criteria: Invitae Variant Classification Sherloc (09022015). Collection method: clinical testing. Allele origin: germline.
Comment: This sequence change creates a premature translational stop signal (p.Gln356*) in the NKX2-1 gene. While this is not anticipated to result in nonsense mediated decay, it is expected to disrupt the last 46 amino acid(s) of the NKX2-1 protein. This variant is not present in population databases (ExAC no frequency). This premature translational stop signal has been observed in individual(s) with clinical features of NKX2-1-related conditions (Invitae). In at least one individual the variant was observed to be de novo. For these reasons, this variant has been classified as Pathogenic.

NM_001079668.3(NKX2-1):c.1066C>T (p.Gln356Ter)

Genes: NKX2-1 (NK2 homeobox 1; minus strand), SFTA3 (surfactant associated 3; minus strand). Cytogenetic location: 14q13.3.
Variant type: single nucleotide variant.
Coding change: c.1066C>T on transcript NM_001079668.3 (MANE Select); coding-DNA position 1066, C replaced by T.
Protein change: p.Gln356Ter; replaces glutamine 356 with a stop codon.
Molecular consequence: nonsense.
Genome position (GRCh38, 1-based): chr14:36,517,418, G>A on the plus strand (C>T on the coding strand, the complement: NKX2-1 is on the minus strand). VCF-style: chr14-36517418-G-A. GRCh37 (hg19) VCF-style: chr14-36986623-G-A.
Other names: c.976C>T, p.Gln326Ter (NM_003317.4); short protein forms Q356*, Q326*.
Identifiers: ClinVar variation 1377274 (VCV001377274.6), dbSNP rs2139405742, ClinGen allele CA389458226.